The following is an entry in ClinVar:

ClinVar aggregate classification (germline): Uncertain significance (1 of 4 stars; one submission).

gnomAD v4.1: 15 of 1,613,038 alleles (0.00093%); highest among the groups gnomAD compares: East Asian, 0.0045%; no homozygotes.

Submission:

Dasa
Classification: Uncertain significance. Last evaluated: 2025-08-28. Review status: criteria provided, single submitter. Criteria: DASA Assertion Criteria. Collection method: clinical testing. Allele origin: germline.
Comment: NM_001314028.4(TBXAS1):c.169G>A (p.Val57Ile) is a missense variant that results in the substitution of valine with isoleucine. This variant is rare in population databases. The currently available literature and clinical evidence are not sufficient to establish a definitive association between this variant and the reported condition. Therefore, this variant is classified as a variant of uncertain significance.

NM_001061.7(TBXAS1):c.236+19G>A

Gene: TBXAS1 (thromboxane A synthase 1; plus strand). Cytogenetic location: 7q34.
Variant type: single nucleotide variant.
Coding change: c.236+19G>A on transcript NM_001061.7 (MANE Select); 19 bases into the intron after coding-DNA position 236, G replaced by A.
Molecular consequence: intron variant. On other transcripts: missense variant (1).
Genome position (GRCh38, 1-based): chr7:139,875,656, G>A. VCF-style: chr7-139875656-G-A. GRCh37 (hg19) VCF-style: chr7-139575455-G-A.
Other names: c.169G>A, p.Val57Ile (NM_001314028.4); c.236+19G>A (NM_001130966.5, NM_001166253.4, NM_030984.6 and 1 more transcripts); c.35+19G>A (NM_001166254.4); c.150+19G>A (NM_001366537.3); short protein forms V57I.
Identifiers: ClinVar variation 4885028 (VCV004885028.2).